The following is an entry in ClinVar:

ClinVar aggregate classification (germline): Uncertain significance (1 of 4 stars; one submission).

Conditions:
Hereditary cancer-predisposing syndrome. Also called: Neoplastic Syndromes, Hereditary; Tumor predisposition; Hereditary neoplastic syndrome; Hereditary Cancer Syndrome. Identifiers: Orphanet 140162, MedGen C0027672, MeSH D009386, MONDO:0015356.

gnomAD v4.1: 1 of 1,614,096 alleles (0.000062%); no homozygotes.

Submission:

Ambry Genetics
Classification: Uncertain significance for Hereditary cancer-predisposing syndrome. Last evaluated: 2026-07-07. Review status: criteria provided, single submitter. Criteria: Ambry Variant Classification Scheme 2023. Collection method: clinical testing. Allele origin: germline.
Comment: The p.T823S variant (also known as c.2467A>T), located in coding exon 16 of the CDH1 gene, results from an A to T substitution at nucleotide position 2467. The threonine at codon 823 is replaced by serine, an amino acid with similar properties. This amino acid position is conserved. In addition, this alteration is predicted to be tolerated by in silico analysis. Based on the available evidence, the clinical significance of this variant remains unclear.

NM_004360.5(CDH1):c.2467A>T (p.Thr823Ser)

Gene: CDH1 (cadherin 1; plus strand). Cytogenetic location: 16q22.1.
Variant type: single nucleotide variant.
Coding change: c.2467A>T on transcript NM_004360.5 (MANE Select); coding-DNA position 2467, A replaced by T.
Protein change: p.Thr823Ser; replaces threonine 823 with serine.
Molecular consequence: missense variant.
Genome position (GRCh38, 1-based): chr16:68,833,317, A>T. VCF-style: chr16-68833317-A-T. GRCh37 (hg19) VCF-style: chr16-68867220-A-T.
Other names: c.2284A>T, p.Thr762Ser (NM_001317184.2); c.919A>T, p.Thr307Ser (NM_001317185.2); c.502A>T, p.Thr168Ser (NM_001317186.2); short protein forms T307S, T823S, T762S, T168S.
Identifiers: ClinVar variation 5033956 (VCV005033956.1).